The following is an entry in ClinVar:

ClinVar aggregate classification (germline): Likely benign. Review status: criteria provided, multiple submitters, no conflicts (2 of 4 stars). 4 submissions from 4 submitters: Likely benign (4). Last evaluated 2026-01-26.

Conditions:
Inborn genetic diseases. Identifiers: MedGen C0950123, MeSH D030342.
Mowat-Wilson syndrome (MOWS). Also called: Classic Mowat-Wilson Syndrome. Identifiers: Orphanet 2152, MedGen C1856113, MONDO:0009341, OMIM 235730.

Allele frequency attached by ClinVar (database versions not stated): ExAC 0.00003; gnomAD 0.00003; gnomAD exomes 0.00003 and 0.00014; TOPMed 0.00004.
gnomAD v4.1: 201 of 1,613,636 alleles (0.012%); highest among the groups gnomAD compares: Non-Finnish European, 0.017%; no homozygotes.

Submissions (4):

Labcorp Genetics (formerly Invitae), Labcorp
Classification: Likely benign for Mowat-Wilson syndrome. Last evaluated: 2026-01-26. Review status: criteria provided, single submitter. Criteria: Invitae Variant Classification Sherloc (09022015). Collection method: clinical testing. Allele origin: germline.

Genetic Services Laboratory, University of Chicago
Classification: Likely benign. Last evaluated: 2017-09-28. Review status: criteria provided, single submitter. Criteria: ACMG Guidelines, 2015. Collection method: clinical testing. Allele origin: germline. Affected: no.

Ambry Genetics
Classification: Likely benign for Inborn genetic diseases. Last evaluated: 2017-01-26. Review status: criteria provided, single submitter. Criteria: Ambry Variant Classification Scheme 2023. Collection method: clinical testing. Allele origin: germline.

GeneDx
Classification: Likely benign. Last evaluated: 2015-10-22. Review status: criteria provided, single submitter. Criteria: GeneDx Variant Classification (06012015). Collection method: clinical testing. Allele origin: germline. Affected: yes.
Comment: This variant is considered likely benign or benign based on one or more of the following criteria: it is a conservative change, it occurs at a poorly conserved position in the protein, it is predicted to be benign by multiple in silico algorithms, and/or has population frequency not consistent with disease.

NM_014795.4(ZEB2):c.225C>T (p.Ser75=)

Gene: ZEB2 (zinc finger E-box binding homeobox 2; minus strand). Cytogenetic location: 2q22.3.
Variant type: single nucleotide variant.
Coding change: c.225C>T on transcript NM_014795.4 (MANE Select); coding-DNA position 225, C replaced by T.
Protein change: p.Ser75=; no amino-acid change (serine 75 retained).
Molecular consequence: synonymous variant.
Genome position (GRCh38, 1-based): chr2:144,429,875, G>A on the plus strand (C>T on the coding strand, the complement: ZEB2 is on the minus strand). VCF-style: chr2-144429875-G-A. GRCh37 (hg19) VCF-style: chr2-145187442-G-A.
Other names: c.225C>T, p.Ser75= (NM_001171653.2).
Identifiers: ClinVar variation 381140 (VCV000381140.20), dbSNP rs754754722, ClinGen allele CA1898582.